The following is an entry in ClinVar:

NM_170682.4(P2RX2):c.831G>A (p.Ser277=)

Gene: P2RX2 (purinergic receptor P2X 2; plus strand). Cytogenetic location: 12q24.33.
Variant type: single nucleotide variant.
Coding change: c.831G>A on transcript NM_170682.4 (MANE Select); coding-DNA position 831, G replaced by A.
Protein change: p.Ser277=; no amino-acid change (serine 277 retained).
Molecular consequence: synonymous variant.
Genome position (GRCh38, 1-based): chr12:132,621,057, G>A. VCF-style: chr12-132621057-G-A. GRCh37 (hg19) VCF-style: chr12-133197643-G-A.
Other names: c.729G>A, p.Ser243= (NM_001282164.2); c.831G>A, p.Ser277= (NM_001282165.2, NM_170683.4, NM_174873.3); c.615G>A, p.Ser205= (NM_012226.5); c.759G>A, p.Ser253= (NM_016318.4); c.555G>A, p.Ser185= (NM_174872.3).
Identifiers: ClinVar variation 226990 (VCV000226990.28), dbSNP rs114365804, ClinGen allele CA6891678.
Genomic context (GRCh38, chr12:132,621,057, plus strand): 5'-GCAGGGTGGTGTCATCGGGGTCATTATCAACTGGGACTGTGACCTGGACCTGCCTGCATC[G>A]GAGTGCAACCCCAAGTACTCCTTCCGGAGGCTTGACCCCAAGCACGTGCCTGCCTCGTCA-3'
Protein context (NP_733782.1, residues 267-287): NWDCDLDLPA[Ser277=]ECNPKYSFRR

ClinVar aggregate classification (germline): Benign/Likely benign. Review status: criteria provided, multiple submitters, no conflicts (2 of 4 stars). 7 submissions from 7 submitters: Benign (4); Likely benign (2). 1 of the submissions does not count toward it. Last evaluated 2025-10-01.

Conditions:
P2RX2-related disorder. Also called: P2RX2-related condition.

Allele frequency attached by ClinVar (database versions not stated): gnomAD exomes 0.00047; ExAC 0.00058; 1000 Genomes Project 0.00140; 1000 Genomes Project 30x 0.00156; gnomAD 0.00180 and 0.00190; TOPMed 0.00196; ESP Exome Variant Server 0.00200.
gnomAD v4.1: 546 of 1,614,090 alleles (0.034%); highest among the groups gnomAD compares: African/African-American, 0.62%; 3 homozygotes.

Submissions (7):

CeGaT Center for Human Genetics Tuebingen
Classification: Likely benign. Last evaluated: 2025-10-01. Review status: criteria provided, single submitter. Criteria: CeGaT Center For Human Genetics Tuebingen Variant Classification Criteria Version 2. Collection method: clinical testing. Allele origin: germline. Affected: yes. Observed: 1 variant allele.
Comment: P2RX2: BP4, BP7

Labcorp Genetics (formerly Invitae), Labcorp
Classification: Benign. Last evaluated: 2025-07-03. Review status: criteria provided, single submitter. Criteria: Invitae Variant Classification Sherloc (09022015). Collection method: clinical testing. Allele origin: germline.

Blueprint Genetics
Classification: Likely benign. Last evaluated: 2024-09-18. Review status: criteria provided, single submitter. Criteria: ACMG Guidelines, 2015. Collection method: clinical testing. Allele origin: germline.

GeneDx
Classification: Benign. Last evaluated: 2020-10-13. Review status: criteria provided, single submitter. Criteria: GeneDx Variant Classification Process June 2021. Collection method: clinical testing. Allele origin: germline. Affected: yes.

Eurofins Ntd Llc (ga)
Classification: Benign. Last evaluated: 2017-03-22. Review status: criteria provided, single submitter. Criteria: EGL Classification Definitions 2015. Collection method: clinical testing. Allele origin: germline. Observed: 1 variant allele, 1 heterozygote.

Laboratory for Molecular Medicine, Mass General Brigham Personalized Medicine
Classification: Benign. Last evaluated: 2014-11-24. Review status: criteria provided, single submitter. Criteria: LMM Criteria. Collection method: clinical testing. Allele origin: germline. Observed: 1 variant allele.
Comment: Ser277Ser in exon 8 of P2RX2: This variant is not expected to have clinical sign ificance because it does not alter an amino acid residue and is not located with in the splice consensus sequence. It has been identified in 0.6% (26/4406) of Af rican American chromosomes from a broad population by the NHLBI Exome Sequencing Project (dbSNP rs114365804).

PreventionGenetics, part of Exact Sciences
Classification: Benign for P2RX2-related condition. Last evaluated: 2019-03-19. Review status: no assertion criteria provided. Collection method: clinical testing. Allele origin: germline. Not counted in ClinVar's aggregate classification.
Comment: This variant is classified as benign based on ACMG/AMP sequence variant interpretation guidelines (Richards et al. 2015 PMID: 25741868, with internal and published modifications).